The following is an entry in ClinVar:

ClinVar aggregate classification (germline): Uncertain significance (1 of 4 stars; one submission).

Conditions:
Cardiovascular phenotype. Identifiers: MedGen CN230736.

Submission:

Ambry Genetics
Classification: Uncertain significance for Cardiovascular phenotype. Last evaluated: 2025-07-05. Review status: criteria provided, single submitter. Criteria: Ambry Variant Classification Scheme 2023. Collection method: clinical testing. Allele origin: germline.
Comment: The p.S100A variant (also known as c.298T>G), located in coding exon 2 of the CBL gene, results from a T to G substitution at nucleotide position 298. The serine at codon 100 is replaced by alanine, an amino acid with similar properties. This amino acid position is conserved. In addition, this alteration is predicted to be tolerated by in silico analysis. Based on the available evidence, the clinical significance of this variant remains unclear.

NM_005188.4(CBL):c.298T>G (p.Ser100Ala)

Gene: CBL (Cbl proto-oncogene; plus strand). Cytogenetic location: 11q23.3.
Variant type: single nucleotide variant.
Coding change: c.298T>G on transcript NM_005188.4 (MANE Select); coding-DNA position 298, T replaced by G.
Protein change: p.Ser100Ala; replaces serine 100 with alanine.
Molecular consequence: missense variant.
Genome position (GRCh38, 1-based): chr11:119,232,550, T>G. VCF-style: chr11-119232550-T-G. GRCh37 (hg19) VCF-style: chr11-119103260-T-G.
Other names: short protein forms S100A.
Identifiers: ClinVar variation 4219852 (VCV004219852.1).